The following is an entry in ClinVar:

NC_000020.10:g.(?_741670)_(746418_?)dup

Gene: SLC52A3 (solute carrier family 52 member 3; minus strand). Cytogenetic location: 20p13.
Variant type: Duplication.
Identifiers: ClinVar variation 1450309 (VCV001450309.4).

ClinVar aggregate classification (germline): Uncertain significance (1 of 4 stars; one submission).

Conditions:
Brown-Vialetto-van Laere syndrome 1. Also called: BROWN-VIALETTO-VAN LAERE SYNDROME 1, MILD; BULBAR PALSY, PROGRESSIVE, WITH SENSORINEURAL DEAFNESS; PONTOBULBAR PALSY WITH DEAFNESS. Identifiers: Orphanet 572550, Orphanet 97229, MedGen C0796274, MONDO:0024537, OMIM 211530.

Submission:

Labcorp Genetics (formerly Invitae), Labcorp
Classification: Uncertain significance for Brown-Vialetto-van Laere syndrome 1. Last evaluated: 2022-10-04. Review status: criteria provided, single submitter. Criteria: Invitae Variant Classification Sherloc (09022015). Collection method: clinical testing. Allele origin: germline.
Comment: A copy number gain of the genomic region encompassing the full coding sequence of the SLC52A3 gene has been identified. The boundaries of this event are unknown as they extend beyond the assayed region for this gene and therefore may encompass additional genes. As the precise location of this event is unknown, it may be in tandem or it may be located elsewhere in the genome. This variant has not been reported in the literature in individuals affected with SLC52A3-related conditions. In summary, the available evidence is currently insufficient to determine the role of this variant in disease. Therefore, it has been classified as a Variant of Uncertain Significance.